The following is an entry in ClinVar:

ClinVar aggregate classification (germline): Likely benign (1 of 4 stars; one submission).

gnomAD v4.1: 2 of 1,220,514 alleles (0.00016%); highest among the groups gnomAD compares: Non-Finnish European, 0.0002%; no homozygotes.

Submission:

Mayo Clinic Laboratories, Mayo Clinic
Classification: Likely benign. Last evaluated: 2025-11-16. Review status: criteria provided, single submitter. Criteria: ACMG Guidelines, 2015. Collection method: clinical testing. Allele origin: germline. Observed: 1 variant allele.
Comment: BP4, BP7, PM2_supporting

NM_020778.5(ALPK3):c.-76G>A

Gene: ALPK3 (alpha kinase 3; plus strand). Cytogenetic location: 15q25.3.
Variant type: single nucleotide variant.
Coding change: c.-76G>A on transcript NM_020778.5 (MANE Select); 76 bases upstream of the start codon, G replaced by A.
Molecular consequence: 5 prime UTR variant.
Genome position (GRCh38, 1-based): chr15:84,817,377, G>A. VCF-style: chr15-84817377-G-A. GRCh37 (hg19) VCF-style: chr15-85360608-G-A.
Other names: p.Arg177=.
Identifiers: ClinVar variation 4684024 (VCV004684024.1).